The following is an entry in ClinVar:

ClinVar aggregate classification (germline): Uncertain significance (1 of 4 stars; one submission).

Allele frequency attached by ClinVar (database versions not stated): 1000 Genomes Project 0.00060; 1000 Genomes Project 30x 0.00078; TOPMed 0.00003; gnomAD 0.00005; gnomAD exomes 0.00009; ExAC 0.00015.
gnomAD v4.1: 133 of 1,613,246 alleles (0.0082%); highest among the groups gnomAD compares: East Asian, 0.29%; no homozygotes.

Submissions (2):

Labcorp Genetics (formerly Invitae), Labcorp
Classification: Uncertain significance. Last evaluated: 2022-03-20. Review status: criteria provided, single submitter. Criteria: Invitae Variant Classification Sherloc (09022015). Collection method: clinical testing. Allele origin: germline.
Comment: In summary, the available evidence is currently insufficient to determine the role of this variant in disease. Therefore, it has been classified as a Variant of Uncertain Significance. Algorithms developed to predict the effect of sequence changes on RNA splicing suggest that this variant may create or strengthen a splice site. Algorithms developed to predict the effect of missense changes on protein structure and function (SIFT, PolyPhen-2, Align-GVGD) all suggest that this variant is likely to be tolerated. This variant has not been reported in the literature in individuals affected with IARS2-related conditions. This variant is present in population databases (rs151085900, gnomAD 0.1%). This sequence change replaces glutamine, which is neutral and polar, with glutamic acid, which is acidic and polar, at codon 594 of the IARS2 protein (p.Gln594Glu).

Dr. Peter K. Rogan Lab, Western University
No classification provided (evidence only). Condition: Hepatocellular carcinoma. Review status: no classification provided. Collection method: in vitro. Allele origin: not applicable. Functional consequence: cryptic splice site. Not counted in ClinVar's aggregate classification.

NM_018060.4(IARS2):c.1780C>G (p.Gln594Glu)

Gene: IARS2 (isoleucyl-tRNA synthetase 2, mitochondrial; plus strand). Cytogenetic location: 1q41.
Variant type: single nucleotide variant.
Coding change: c.1780C>G on transcript NM_018060.4 (MANE Select); coding-DNA position 1780, C replaced by G.
Protein change: p.Gln594Glu; replaces glutamine 594 with glutamic acid.
Molecular consequence: missense variant.
Genome position (GRCh38, 1-based): chr1:220,126,786, C>G. VCF-style: chr1-220126786-C-G. GRCh37 (hg19) VCF-style: chr1-220300128-C-G.
Other names: short protein forms Q594E.
Identifiers: ClinVar variation 1917470 (VCV001917470.4), dbSNP rs151085900, ClinGen allele CA1401582.